The following is an entry in ClinVar:

ClinVar aggregate classification (germline): Likely benign (0 of 4 stars; one submission).

Conditions:
CREBBP-related disorder. Also called: CREBBP-related condition; CREBBP-related disorders.

Submission:

PreventionGenetics, part of Exact Sciences
Classification: Likely benign for CREBBP-related condition. Last evaluated: 2024-07-26. Review status: no assertion criteria provided. Collection method: clinical testing. Allele origin: germline.
Comment: This variant is classified as likely benign based on ACMG/AMP sequence variant interpretation guidelines (Richards et al. 2015 PMID: 25741868, with internal and published modifications).

NM_004380.3(CREBBP):c.4561-10del

Gene: CREBBP (CREB binding lysine acetyltransferase; minus strand). Cytogenetic location: 16p13.3.
Variant type: Deletion.
Coding change: c.4561-10del on transcript NM_004380.3 (MANE Select); 10 bases into the intron before coding-DNA position 4561, one base deleted (G; older notation c.4561-10delG).
Molecular consequence: intron variant.
Genome position (GRCh38, 1-based): chr16:3,736,213, C deleted on the plus strand (G on the coding strand, the reverse complement: CREBBP is on the minus strand). VCF-style (leftmost placement, unchanged base first): chr16-3736212-GC-G. GRCh37 (hg19) VCF-style: chr16-3786213-GC-G.
Other names: c.4447-10del (NM_001079846.1).
Identifiers: ClinVar variation 3357046 (VCV003357046.1).